The following is an entry in ClinVar:

ClinVar aggregate classification (germline): Likely benign. Review status: criteria provided, multiple submitters, no conflicts (2 of 4 stars). 2 submissions from 2 submitters: Likely benign (2). Last evaluated 2026-08-19.

Conditions:
CHD4-related disorder. Also called: CHD4-related condition.

Allele frequency attached by ClinVar (database versions not stated): gnomAD 0.00001; ExAC 0.00002; gnomAD exomes 0.00002; TOPMed 0.00002.
gnomAD v4.1: 28 of 1,611,934 alleles (0.0017%); highest among the groups gnomAD compares: Non-Finnish European, 0.002%; 1 homozygote.

Submissions (2):

PreventionGenetics, part of Exact Sciences
Classification: Likely benign for CHD4-related condition. Last evaluated: 2026-08-19. Review status: criteria provided, single submitter. Criteria: ACMG Guidelines, 2015. Collection method: clinical testing. Allele origin: germline.
Comment: This variant is classified as likely benign based on ACMG/AMP sequence variant interpretation guidelines (Richards et al. 2015 PMID: 25741868, with internal and published modifications).

Labcorp Genetics (formerly Invitae), Labcorp
Classification: Likely benign. Last evaluated: 2025-09-11. Review status: criteria provided, single submitter. Criteria: Invitae Variant Classification Sherloc (09022015). Collection method: clinical testing. Allele origin: germline.

NM_001273.5(CHD4):c.4909+13A>C

Genes: CHD4 (chromodomain helicase DNA binding protein 4; minus strand), CHD4-AS1 (CHD4 antisense RNA 1; plus strand). Cytogenetic location: 12p13.31.
Variant type: single nucleotide variant.
Coding change: c.4909+13A>C on transcript NM_001273.5 (MANE Select); 13 bases into the intron after coding-DNA position 4909, A replaced by C.
Molecular consequence: intron variant.
Genome position (GRCh38, 1-based): chr12:6,581,031, T>G on the plus strand (A>C on the coding strand, the complement: CHD4 is on the minus strand). VCF-style: chr12-6581031-T-G. GRCh37 (hg19) VCF-style: chr12-6690197-T-G.
Other names: c.4876+7A>C (NM_001363606.2, NM_001363606.1); c.4888+13A>C (NM_001297553.2).
Identifiers: ClinVar variation 1911846 (VCV001911846.6), dbSNP rs748239977, ClinGen allele CA6411400.
Genomic context (GRCh38, chr12:6,581,031, plus strand): 5'-CACTCCAGCCTGGCGGCAGCACTACACTGTCTCAAAACAAACAAACAAACAAAAAAAATG[T>G]GGATACCTTTACCTTTGGGCTCTGTCTCCATAGGTTCCTCTGTTCTCTCCTTCACCTCTG-3'